The following is an entry in ClinVar:

ClinVar aggregate classification (germline): Uncertain significance (1 of 4 stars; one submission).

Submission:

Labcorp Genetics (formerly Invitae), Labcorp
Classification: Uncertain significance. Last evaluated: 2024-02-17. Review status: criteria provided, single submitter. Criteria: Invitae Variant Classification Sherloc (09022015). Collection method: clinical testing. Allele origin: germline.
Comment: This sequence change replaces asparagine, which is neutral and polar, with aspartic acid, which is acidic and polar, at codon 101 of the GATAD2B protein (p.Asn101Asp). This variant is not present in population databases (gnomAD no frequency). This variant has not been reported in the literature in individuals affected with GATAD2B-related conditions. Advanced modeling of protein sequence and biophysical properties (such as structural, functional, and spatial information, amino acid conservation, physicochemical variation, residue mobility, and thermodynamic stability) performed at Invitae indicates that this missense variant is not expected to disrupt GATAD2B protein function with a negative predictive value of 80%. In summary, the available evidence is currently insufficient to determine the role of this variant in disease. Therefore, it has been classified as a Variant of Uncertain Significance.

NM_020699.4(GATAD2B):c.301A>G (p.Asn101Asp)

Gene: GATAD2B (GATA zinc finger domain containing 2B; minus strand). Cytogenetic location: 1q21.3.
Variant type: single nucleotide variant.
Coding change: c.301A>G on transcript NM_020699.4 (MANE Select); coding-DNA position 301, A replaced by G.
Protein change: p.Asn101Asp; replaces asparagine 101 with aspartic acid.
Molecular consequence: missense variant.
Genome position (GRCh38, 1-based): chr1:153,828,047, T>C on the plus strand (A>G on the coding strand, the complement: GATAD2B is on the minus strand). VCF-style: chr1-153828047-T-C. GRCh37 (hg19) VCF-style: chr1-153800523-T-C.
Other names: short protein forms N101D.
Identifiers: ClinVar variation 3641663 (VCV003641663.2).